The following is an entry in ClinVar:

ClinVar aggregate classification (germline): Benign. Review status: criteria provided, multiple submitters, no conflicts (2 of 4 stars). 3 submissions from 3 submitters: Benign (3). Last evaluated 2018-11-10.

Conditions:
Bartter disease type 4A. Also called: BARTTER SYNDROME, NEONATAL, WITH SENSORINEURAL DEAFNESS; BARTTER SYNDROME, TYPE 4A, NEONATAL, WITH SENSORINEURAL DEAFNESS. Identifiers: Orphanet 112, MedGen C1865270, MONDO:0011242, OMIM 602522.

Allele frequency attached by ClinVar (database versions not stated): gnomAD exomes 0.01944; gnomAD 0.04543 and 0.04585; TOPMed 0.05219; 1000 Genomes Project 30x 0.07823; 1000 Genomes Project 0.08087.

Submissions (3):

GeneDx
Classification: Benign. Last evaluated: 2018-11-10. Review status: criteria provided, single submitter. Criteria: GeneDx Variant Classification Process June 2021. Collection method: clinical testing. Allele origin: germline. Affected: yes.

Illumina Laboratory Services, Illumina
Classification: Benign for Bartter disease type 4A. Last evaluated: 2018-01-12. Review status: criteria provided, single submitter. Criteria: ICSL Variant Classification Criteria 13 December 2019. Collection method: clinical testing. Allele origin: germline.
Comment: This variant was observed in the ICSL laboratory as part of a predisposition screen in an ostensibly healthy population. It had not been previously curated by ICSL or reported in the Human Gene Mutation Database (HGMD: prior to June 1st, 2018), and was therefore a candidate for classification through an automated scoring system. Utilizing variant allele frequency, disease prevalence and penetrance estimates, and inheritance mode, an automated score was calculated to assess if this variant is too frequent to cause the disease. Based on the score and internal cut-off values, a variant classified as benign is not then subjected to further curation. The score for this variant resulted in a classification of benign for this disease.

Breakthrough Genomics
Classification: Benign. Review status: criteria provided, single submitter. Criteria: ACMG Guidelines, 2015. Collection method: not provided. Allele origin: germline. Inheritance: Autosomal recessive inheritance. Affected: yes.

NM_057176.3(BSND):c.-241G>A

Genes: BSND (barttin CLCNK type accessory subunit beta; plus strand), LOC129930596 (ATAC-STARR-seq lymphoblastoid active region 1070; plus strand). Cytogenetic location: 1p32.3.
Variant type: single nucleotide variant.
Coding change: c.-241G>A on transcript NM_057176.3 (MANE Select); 241 bases upstream of the start codon, G replaced by A.
Molecular consequence: 5 prime UTR variant.
Genome position (GRCh38, 1-based): chr1:54,998,946, G>A. VCF-style: chr1-54998946-G-A. GRCh37 (hg19) VCF-style: chr1-55464619-G-A.
Identifiers: ClinVar variation 297670 (VCV000297670.9), dbSNP rs12069526, ClinGen allele CA10610154.